The following is an entry in ClinVar:

ClinVar aggregate classification (germline): Uncertain significance (1 of 4 stars; one submission).

Allele frequency attached by ClinVar (database versions not stated): gnomAD exomes below 0.00001; TOPMed below 0.00001; gnomAD 0.00001.

Submission:

Labcorp Genetics (formerly Invitae), Labcorp
Classification: Uncertain significance. Last evaluated: 2024-05-21. Review status: criteria provided, single submitter. Criteria: Invitae Variant Classification Sherloc (09022015). Collection method: clinical testing. Allele origin: germline.
Comment: This sequence change replaces leucine, which is neutral and non-polar, with valine, which is neutral and non-polar, at codon 363 of the FAR1 protein (p.Leu363Val). This variant is not present in population databases (gnomAD no frequency). This variant has not been reported in the literature in individuals affected with FAR1-related conditions. ClinVar contains an entry for this variant (Variation ID: 1473979). Advanced modeling of protein sequence and biophysical properties (such as structural, functional, and spatial information, amino acid conservation, physicochemical variation, residue mobility, and thermodynamic stability) performed at Invitae indicates that this missense variant is not expected to disrupt FAR1 protein function with a negative predictive value of 80%. In summary, the available evidence is currently insufficient to determine the role of this variant in disease. Therefore, it has been classified as a Variant of Uncertain Significance.

NM_032228.6(FAR1):c.1087C>G (p.Leu363Val)

Gene: FAR1 (fatty acyl-CoA reductase 1; plus strand). Cytogenetic location: 11p15.3.
Variant type: single nucleotide variant.
Coding change: c.1087C>G on transcript NM_032228.6 (MANE Select); coding-DNA position 1087, C replaced by G.
Protein change: p.Leu363Val; replaces leucine 363 with valine.
Molecular consequence: missense variant.
Genome position (GRCh38, 1-based): chr11:13,714,640, C>G. VCF-style: chr11-13714640-C-G. GRCh37 (hg19) VCF-style: chr11-13736187-C-G.
Other names: short protein forms L363V.
Identifiers: ClinVar variation 1473979 (VCV001473979.6), dbSNP rs1175750356, ClinGen allele CA379858517.
Genomic context (GRCh38, chr11:13,714,640, plus strand): 5'-ACCTCCAATCATCTTTTATATCATTACTGGATTGCTGTAAGCCATAAGGCCCCAGCATTC[C>G]TGTATGATATCTACCTCAGGATGACTGGAAGAAGCCCAAGGTAATGGTGACTAGCTCTGT-3'
Protein context (NP_115604.1, residues 353-373): IAVSHKAPAF[Leu363Val]YDIYLRMTGR